The following is an entry in ClinVar:

NC_000002.11:g.(?_182438460)_(182438631_?)del

Gene: CERKL (ceramide kinase like; minus strand). Cytogenetic location: 2q31.3.
Variant type: Deletion.
Identifiers: ClinVar variation 1410014 (VCV001410014.4).

ClinVar aggregate classification (germline): Uncertain significance (1 of 4 stars; one submission).

Submission:

Labcorp Genetics (formerly Invitae), Labcorp
Classification: Uncertain significance. Last evaluated: 2022-08-16. Review status: criteria provided, single submitter. Criteria: Invitae Variant Classification Sherloc (09022015). Collection method: clinical testing. Allele origin: germline.
Comment: This variant is a gross deletion of the genomic region encompassing exon(s) 3 of the CERKL gene. This variant would be expected to be in-frame, preserving the integrity of the reading frame. This variant has not been reported in the literature in individuals affected with CERKL-related conditions. Experimental studies and prediction algorithms are not available or were not evaluated, and the functional significance of this variant is currently unknown. This variant disrupts a region of the CERKL protein in which other variant(s) (p.Pro166Leu) have been observed in individuals with CERKL-related conditions (Invitae). This suggests that this is a clinically significant region of the protein, and that variants that disrupt it are likely to be disease-causing. In summary, the available evidence is currently insufficient to determine the role of this variant in disease. Therefore, it has been classified as a Variant of Uncertain Significance.